The following is an entry in ClinVar:

NM_001458.5(FLNC):c.7604C>T (p.Ser2535Leu)

Genes: FLNC (filamin C; plus strand), FLNC-AS1 (FLNC antisense RNA 1; minus strand). Cytogenetic location: 7q32.1.
Variant type: single nucleotide variant.
Coding change: c.7604C>T on transcript NM_001458.5 (MANE Select); coding-DNA position 7604, C replaced by T.
Protein change: p.Ser2535Leu; replaces serine 2535 with leucine.
Molecular consequence: missense variant.
Genome position (GRCh38, 1-based): chr7:128,857,160, C>T. VCF-style: chr7-128857160-C-T. GRCh37 (hg19) VCF-style: chr7-128497214-C-T.
Other names: c.7505C>T, p.Ser2502Leu (NM_001127487.2); short protein forms S2535L, S2502L.
Identifiers: ClinVar variation 575293 (VCV000575293.34), dbSNP rs201895675, ClinGen allele CA4476322.

ClinVar aggregate classification (germline): Uncertain significance. Review status: criteria provided, multiple submitters, no conflicts (2 of 4 stars). 3 submissions from 3 submitters: Uncertain significance (3). Last evaluated 2025-12-09.

Conditions:
Distal myopathy with posterior leg and anterior hand involvement. Also called: WILLIAMS DISTAL MYOPATHY. Identifiers: Orphanet 63273, MedGen C3279722, MONDO:0013550, OMIM 614065.
Myofibrillar myopathy 5. Also called: Filaminopathy (type); FILAMINOPATHY, AUTOSOMAL DOMINANT. Identifiers: Orphanet 171445, MedGen C1836050, MONDO:0012289, OMIM 609524.
Hypertrophic cardiomyopathy 26. Also called: Cardiomyopathy, familial hypertrophic, 26. Identifiers: Orphanet 75249, MedGen C4310749, MONDO:0014883, OMIM 617047.

Allele frequency attached by ClinVar (database versions not stated): gnomAD exomes below 0.00001; gnomAD 0.00001.
gnomAD v4.1: 26 of 1,614,010 alleles (0.0016%); highest among the groups gnomAD compares: East Asian, 0.0067%; no homozygotes.

Submissions (3):

Labcorp Genetics (formerly Invitae), Labcorp
Classification: Uncertain significance for Distal myopathy with posterior leg and anterior hand involvement; Myofibrillar myopathy 5; Hypertrophic cardiomyopathy 26. Last evaluated: 2025-12-09. Review status: criteria provided, single submitter. Criteria: Invitae Variant Classification Sherloc (09022015). Collection method: clinical testing. Allele origin: germline.
Comment: This sequence change replaces serine, which is neutral and polar, with leucine, which is neutral and non-polar, at codon 2535 of the FLNC protein (p.Ser2535Leu). This variant is present in population databases (rs201895675, gnomAD 0.002%). This variant has not been reported in the literature in individuals affected with FLNC-related conditions. ClinVar contains an entry for this variant (Variation ID: 575293). An algorithm developed to predict the effect of missense changes on protein structure and function (PolyPhen-2) suggests that this variant is likely to be tolerated. In summary, the available evidence is currently insufficient to determine the role of this variant in disease. Therefore, it has been classified as a Variant of Uncertain Significance.

Blueprint Genetics
Classification: Uncertain significance. Last evaluated: 2024-10-11. Review status: criteria provided, single submitter. Criteria: ACMG Guidelines, 2015. Collection method: clinical testing. Allele origin: germline.

CeGaT Center for Human Genetics Tuebingen
Classification: Uncertain significance. Last evaluated: 2022-05-01. Review status: criteria provided, single submitter. Criteria: CeGaT Center For Human Genetics Tuebingen Variant Classification Criteria Version 2. Collection method: clinical testing. Allele origin: germline. Affected: yes. Observed: 1 variant allele.
Comment: FLNC: PM2